The following is an entry in ClinVar:

NM_000260.4(MYO7A):c.4006C>T (p.Gln1336Ter)

Gene: MYO7A (myosin VIIA; plus strand). Cytogenetic location: 11q13.5.
Variant type: single nucleotide variant.
Coding change: c.4006C>T on transcript NM_000260.4 (MANE Select); coding-DNA position 4006, C replaced by T.
Protein change: p.Gln1336Ter; replaces glutamine 1336 with a stop codon.
Molecular consequence: nonsense.
Genome position (GRCh38, 1-based): chr11:77,192,132, C>T. VCF-style: chr11-77192132-C-T. GRCh37 (hg19) VCF-style: chr11-76903177-C-T.
Other names: c.4006C>T, p.Gln1336Ter (NM_001127180.2); c.3973C>T, p.Gln1325Ter (NM_001369365.1); short protein forms Q1336*, Q1325*.
Identifiers: ClinVar variation 561263 (VCV000561263.18), dbSNP rs750647872, ClinGen allele CA6198284.
Genomic context (GRCh38, chr11:77,192,132, plus strand): 5'-AGTGACCACGTCATGGACGCCATCTCCCAGTGCGAGCAGTACGCCAAGGAGCAGGGCGCC[C>T]AGGAGCGCAACGCCCCCTGGAGGCTCTTCTTCCGCAAAGAGGTCTTCACGCCCTGGCACA-3'

ClinVar aggregate classification (germline): Pathogenic/Likely pathogenic. Review status: criteria provided, multiple submitters, no conflicts (2 of 4 stars). 6 submissions from 6 submitters: Pathogenic (4); Likely pathogenic (2). Last evaluated 2025-09-19.

Conditions:
MYO7A-related disorder. Also called: MYO7A-related disorders.
Autosomal dominant nonsyndromic hearing loss 11. Identifiers: Orphanet 90635, MedGen C1832475, MONDO:0011032, OMIM 601317.
Autosomal recessive nonsyndromic hearing loss 2. Also called: NEUROSENSORY NONSYNDROMIC RECESSIVE DEAFNESS 2; DEAFNESS, AUTOSOMAL RECESSIVE 2. Identifiers: Orphanet 90636, MedGen C1838701, MONDO:0010807, OMIM 600060.
Usher syndrome type 1 (USH1). Also called: RETINITIS PIGMENTOSA AND CONGENITAL DEAFNESS. Identifiers: Orphanet 231169, Orphanet 886, MedGen C1568247, MONDO:0010168, OMIM 276900.
Usher syndrome type 1B (USH1B). Also called: Usher syndrome type IB. Identifiers: MedGen C1848638, MONDO:0700087.

Allele frequency attached by ClinVar (database versions not stated): gnomAD exomes 0.00001 and 0.00003; TOPMed 0.00001; ExAC 0.00002.
gnomAD v4.1: 14 of 1,613,968 alleles (0.00087%); highest among the groups gnomAD compares: Admixed American, 0.015%; no homozygotes.

Submissions (6):

Natera, Inc.
Classification: Likely pathogenic for Usher syndrome type 1B. Last evaluated: 2025-09-19. Review status: criteria provided, single submitter. Criteria: Natera Variant Classification Schema (03/2026). Collection method: clinical testing. Allele origin: germline.
Comment: The c.4006C>T variant in MYO7A is a nonsense variant predicted to introduce a stop codon at amino acid 1336. This variant is expected to result in nonsense mediated decay, truncation, or a dysfunctional protein product. This variant is rare in the general population with a frequency below the threshold expected for the associated phenotype(s). Given the available evidence, this variant is classified as Likely Pathogenic.

GeneDx
Classification: Pathogenic. Last evaluated: 2025-06-18. Review status: criteria provided, single submitter. Criteria: GeneDx Variant Classification Process June 2021. Collection method: clinical testing. Allele origin: germline. Affected: yes.
Comment: Reported previously in an unaffected carrier; however, no further information was provided (PMID: 31964843); Nonsense variant predicted to result in protein truncation or nonsense mediated decay in a gene for which loss of function is a known mechanism of disease; This variant is associated with the following publications: (PMID: 31964843)

Labcorp Genetics (formerly Invitae), Labcorp
Classification: Pathogenic. Last evaluated: 2025-01-07. Review status: criteria provided, single submitter. Criteria: Invitae Variant Classification Sherloc (09022015). Collection method: clinical testing. Allele origin: germline.
Comment: This sequence change creates a premature translational stop signal (p.Gln1336*) in the MYO7A gene. It is expected to result in an absent or disrupted protein product. Loss-of-function variants in MYO7A are known to be pathogenic (PMID: 8900236, 25404053). This variant is present in population databases (rs750647872, gnomAD 0.02%). This variant has not been reported in the literature in individuals affected with MYO7A-related conditions. ClinVar contains an entry for this variant (Variation ID: 561263). For these reasons, this variant has been classified as Pathogenic.

Blueprint Genetics
Classification: Pathogenic for MYO7A-related disorders. Last evaluated: 2021-12-15. Review status: criteria provided, single submitter. Criteria: ACMG Guidelines, 2015. Collection method: clinical testing. Allele origin: germline. Affected: yes. Observed: 2 variant alleles.

Fulgent Genetics
Classification: Pathogenic for Usher syndrome type 1; Autosomal recessive nonsyndromic hearing loss 2; Autosomal dominant nonsyndromic hearing loss 11. Last evaluated: 2018-10-31. Review status: criteria provided, single submitter. Criteria: ACMG Guidelines, 2015. Collection method: clinical testing. Allele origin: unknown.

GeneID Lab - Advanced Molecular Diagnostics
Classification: Likely pathogenic for Usher syndrome, type IB. Last evaluated: 2018-03-10. Review status: criteria provided, single submitter. Criteria: ACMG Guidelines, 2015. Collection method: clinical testing. Allele origin: germline. Affected: no. Observed: 1 variant allele.
Comment: This variant produces a premature stop signal at position 1336 of the MYO7A protein, designated as p.Gln1336Ter or Q1336*. The substitution is predicted to result in a non-functional protein, either through protein truncation or nonsense-mediated mRNA decay. This mutation is considered a non-tolerated amino acid change based on in silico prediction algorithms (disease causing), and it has not been reported in the ClinVar Database (NCBI National Library of Medicine, NIH), but it has been described in 3 alleles out of 120168 belonging to heterozygous carries of Latino origin by the Exome Aggregation Consortium (ExAC). Based on these findings and the limited literature regarding this substitution we consider it as a likely pathogenic variant.

Literature cited by the submitters: PubMed 8900236 (cited by Labcorp Genetics (formerly Invitae), Labcorp); PubMed 25404053 (cited by Labcorp Genetics (formerly Invitae), Labcorp).